The following is an entry in ClinVar:

ClinVar aggregate classification (germline): Uncertain significance (1 of 4 stars; one submission).

Conditions:
Hereditary cancer-predisposing syndrome. Also called: Neoplastic Syndromes, Hereditary; Tumor predisposition; Hereditary neoplastic syndrome; Hereditary Cancer Syndrome. Identifiers: Orphanet 140162, MedGen C0027672, MeSH D009386, MONDO:0015356.

Submission:

Ambry Genetics
Classification: Uncertain significance for Hereditary cancer-predisposing syndrome. Last evaluated: 2023-09-17. Review status: criteria provided, single submitter. Criteria: Ambry Variant Classification Scheme 2023. Collection method: clinical testing. Allele origin: germline.
Comment: The p.K2630N variant (also known as c.7890A>C), located in coding exon 16 of the BRCA2 gene, results from an A to C substitution at nucleotide position 7890. The lysine at codon 2630 is replaced by asparagine, an amino acid with similar properties. This amino acid position is conserved. In addition, this alteration is predicted to be deleterious by in silico analysis. Since supporting evidence is limited at this time, the clinical significance of this alteration remains unclear.

NM_000059.4(BRCA2):c.7890A>C (p.Lys2630Asn)

Gene: BRCA2 (BRCA2 DNA repair associated; plus strand). Cytogenetic location: 13q13.1.
Variant type: single nucleotide variant.
Coding change: c.7890A>C on transcript NM_000059.4 (MANE Select); coding-DNA position 7890, A replaced by C.
Protein change: p.Lys2630Asn; replaces lysine 2630 with asparagine.
Molecular consequence: missense variant. On other transcripts: non-coding transcript variant (1).
Genome position (GRCh38, 1-based): chr13:32,362,607, A>C. VCF-style: chr13-32362607-A-C. GRCh37 (hg19) VCF-style: chr13-32936744-A-C.
Other names: c.7794A>C, p.Lys2598Asn (NM_001406719.1); c.7890A>C, p.Lys2630Asn (NM_001406720.1); c.2958A>C, p.Lys986Asn (NM_001406721.1); c.1473A>C, p.Lys491Asn (NM_001406722.1); short protein forms K2598N, K2630N, K491N, K986N.
Identifiers: ClinVar variation 3228959 (VCV003228959.1), dbSNP rs1227152592, ClinGen allele CA387747127.